The following is an entry in ClinVar:

ClinVar aggregate classification (germline): Uncertain significance. Review status: criteria provided, multiple submitters, no conflicts (2 of 4 stars). 3 submissions from 3 submitters: Uncertain significance (3). Last evaluated 2024-03-06.

Conditions:
BAP1-related tumor predisposition syndrome (TPDS1). Also called: Tumor susceptibility linked to germline BAP1 mutations; COMMON Syndrome; TUMOR PREDISPOSITION SYNDROME 1; BAP1 tumor predisposition syndrome. Identifiers: Orphanet 289539, MedGen C3280492, MONDO:0013692, OMIM 614327.
Hereditary cancer-predisposing syndrome. Also called: Neoplastic Syndromes, Hereditary; Tumor predisposition; Hereditary Cancer Syndrome; Hereditary neoplastic syndrome. Identifiers: Orphanet 140162, MedGen C0027672, MeSH D009386, MONDO:0015356.

Submissions (3):

Color Diagnostics, LLC DBA Color Health
Classification: Uncertain significance for Hereditary cancer-predisposing syndrome. Last evaluated: 2024-03-06. Review status: criteria provided, single submitter. Criteria: ACMG Guidelines, 2015. Collection method: clinical testing. Allele origin: germline.
Comment: This missense variant replaces lysine with asparagine at codon 727 of the BAP1 protein. Computational prediction suggests that this variant may not impact protein structure and function (internally defined REVEL score threshold <= 0.5, PMID: 27666373). Splice site prediction tools suggest that this variant may not impact RNA splicing. To our knowledge, functional studies have not been reported for this variant. This variant has not been reported in individuals affected with hereditary cancer in the literature. This variant has not been identified in the general population by the Genome Aggregation Database (gnomAD). The available evidence is insufficient to determine the role of this variant in disease conclusively. Therefore, this variant is classified as a Variant of Uncertain Significance.

Ambry Genetics
Classification: Uncertain significance for Hereditary cancer-predisposing syndrome. Last evaluated: 2023-09-27. Review status: criteria provided, single submitter. Criteria: Ambry Variant Classification Scheme 2023. Collection method: clinical testing. Allele origin: germline.
Comment: The p.K727N variant (also known as c.2181G>T), located in coding exon 17 of the BAP1 gene, results from a G to T substitution at nucleotide position 2181. The lysine at codon 727 is replaced by asparagine, an amino acid with similar properties. This amino acid position is conserved. In addition, this alteration is predicted to be tolerated by in silico analysis. Since supporting evidence is limited at this time, the clinical significance of this alteration remains unclear.

Labcorp Genetics (formerly Invitae), Labcorp
Classification: Uncertain significance for BAP1-related tumor predisposition syndrome. Last evaluated: 2021-12-19. Review status: criteria provided, single submitter. Criteria: Invitae Variant Classification Sherloc (09022015). Collection method: clinical testing. Allele origin: germline.
Comment: This sequence change replaces lysine, which is basic and polar, with asparagine, which is neutral and polar, at codon 727 of the BAP1 protein (p.Lys727Asn). This variant is not present in population databases (gnomAD no frequency). This variant has not been reported in the literature in individuals affected with BAP1-related conditions. ClinVar contains an entry for this variant (Variation ID: 925760). Algorithms developed to predict the effect of missense changes on protein structure and function (SIFT, PolyPhen-2, Align-GVGD) all suggest that this variant is likely to be disruptive. In summary, the available evidence is currently insufficient to determine the role of this variant in disease. Therefore, it has been classified as a Variant of Uncertain Significance.

NM_004656.4(BAP1):c.2181G>T (p.Lys727Asn)

Gene: BAP1 (BRCA1 associated deubiquitinase 1; minus strand). Cytogenetic location: 3p21.1.
Variant type: single nucleotide variant.
Coding change: c.2181G>T on transcript NM_004656.4 (MANE Select); coding-DNA position 2181, G replaced by T.
Protein change: p.Lys727Asn; replaces lysine 727 with asparagine.
Molecular consequence: missense variant.
Genome position (GRCh38, 1-based): chr3:52,402,297, C>A on the plus strand (G>T on the coding strand, the complement: BAP1 is on the minus strand). VCF-style: chr3-52402297-C-A. GRCh37 (hg19) VCF-style: chr3-52436313-C-A.
Other names: c.2181G>T (NM_004656.2); short protein forms K727N.
Identifiers: ClinVar variation 925760 (VCV000925760.10), dbSNP rs1704980882, ClinGen allele CA353093876.